The following is an entry in ClinVar:

NM_000426.4(LAMA2):c.5879G>A (p.Arg1960Gln)

Gene: LAMA2 (laminin subunit alpha 2; plus strand). Cytogenetic location: 6q22.33.
Variant type: single nucleotide variant.
Coding change: c.5879G>A on transcript NM_000426.4 (MANE Select); coding-DNA position 5879, G replaced by A.
Protein change: p.Arg1960Gln; replaces arginine 1960 with glutamine.
Molecular consequence: missense variant.
Genome position (GRCh38, 1-based): chr6:129,427,765, G>A. VCF-style: chr6-129427765-G-A. GRCh37 (hg19) VCF-style: chr6-129748910-G-A.
Other names: c.5879G>A, p.Arg1960Gln (NM_001079823.2); short protein forms R1960Q.
Identifiers: ClinVar variation 2154395 (VCV002154395.4), dbSNP rs375240974, ClinGen allele CA3994023.

ClinVar aggregate classification (germline): Uncertain significance. Review status: criteria provided, multiple submitters, no conflicts (2 of 4 stars). 2 submissions from 2 submitters: Uncertain significance (2). Last evaluated 2021-08-06.

Conditions:
LAMA2-related muscular dystrophy (LAMA2-RD). Also called: Laminin alpha 2-related dystrophy. Identifiers: MedGen C5679788, MONDO:0100228.

Allele frequency attached by ClinVar (database versions not stated): ExAC 0.00001; gnomAD exomes 0.00001; ESP Exome Variant Server 0.00008.
gnomAD v4.1: 10 of 1,613,048 alleles (0.00062%); highest among the groups gnomAD compares: East Asian, 0.0022%; no homozygotes.

Submissions (2):

Labcorp Genetics (formerly Invitae), Labcorp
Classification: Uncertain significance for LAMA2-related muscular dystrophy. Last evaluated: 2021-08-06. Review status: criteria provided, single submitter. Criteria: Invitae Variant Classification Sherloc (09022015). Collection method: clinical testing. Allele origin: germline.
Comment: This sequence change replaces arginine with glutamine at codon 1960 of the LAMA2 protein (p.Arg1960Gln). The arginine residue is weakly conserved and there is a small physicochemical difference between arginine and glutamine. This variant is present in population databases (rs375240974, ExAC 0.001%). This variant has not been reported in the literature in individuals with LAMA2-related conditions. Algorithms developed to predict the effect of missense changes on protein structure and function output the following: SIFT: "Tolerated"; PolyPhen-2: "Benign"; Align-GVGD: "Class C0". The glutamine amino acid residue is found in multiple mammalian species, suggesting that this missense change does not adversely affect protein function. These predictions have not been confirmed by published functional studies and their clinical significance is uncertain. In summary, the available evidence is currently insufficient to determine the role of this variant in disease. Therefore, it has been classified as a Variant of Uncertain Significance.

Revvity Omics, Revvity
Classification: Uncertain significance. Last evaluated: 2020-03-11. Review status: criteria provided, single submitter. Criteria: ACMG Guidelines, 2015. Collection method: clinical testing. Allele origin: germline.